The following is an entry in ClinVar:

NM_001297.5(CNGB1):c.256C>T (p.Arg86Trp)

Gene: CNGB1 (cyclic nucleotide gated channel subunit beta 1; minus strand). Cytogenetic location: 16q21.
Variant type: single nucleotide variant.
Coding change: c.256C>T on transcript NM_001297.5 (MANE Select); coding-DNA position 256, C replaced by T.
Protein change: p.Arg86Trp; replaces arginine 86 with tryptophan.
Molecular consequence: missense variant.
Genome position (GRCh38, 1-based): chr16:57,964,164, G>A on the plus strand (C>T on the coding strand, the complement: CNGB1 is on the minus strand). VCF-style: chr16-57964164-G-A. GRCh37 (hg19) VCF-style: chr16-57998068-G-A.
Other names: c.256C>T, p.Arg86Trp (NM_001135639.2, NM_001286130.2); c.256C>T (NM_001297.4); short protein forms R86W.
Identifiers: ClinVar variation 1152862 (VCV001152862.12), dbSNP rs750609245, ClinGen allele CA8083931.

ClinVar aggregate classification (germline): Conflicting classifications of pathogenicity. Review status: criteria provided, conflicting classifications (1 of 4 stars). 4 submissions from 4 submitters: Uncertain significance (2); Likely benign (1). 1 of the submissions does not count toward it. Last evaluated 2025-04-28.

Conditions:
CNGB1-related disorder. Also called: CNGB1-related condition.
Inborn genetic diseases. Identifiers: MedGen C0950123, MeSH D030342.

Allele frequency attached by ClinVar (database versions not stated): TOPMed 0.00004; gnomAD 0.00005 and 0.00006; gnomAD exomes 0.00005 and 0.00008; ExAC 0.00009.

Submissions (4):

Labcorp Genetics (formerly Invitae), Labcorp
Classification: Likely benign. Last evaluated: 2025-04-28. Review status: criteria provided, single submitter. Criteria: Invitae Variant Classification Sherloc (09022015). Collection method: clinical testing. Allele origin: germline.

Ambry Genetics
Classification: Uncertain significance for Inborn genetic diseases. Last evaluated: 2024-04-23. Review status: criteria provided, single submitter. Criteria: Ambry Variant Classification Scheme 2023. Collection method: clinical testing. Allele origin: germline.

Blueprint Genetics
Classification: Uncertain significance. Last evaluated: 2023-07-07. Review status: criteria provided, single submitter. Criteria: ACMG Guidelines, 2015. Collection method: clinical testing. Allele origin: germline.

PreventionGenetics, part of Exact Sciences
Classification: Uncertain significance for CNGB1-related condition. Last evaluated: 2024-07-29. Review status: no assertion criteria provided. Collection method: clinical testing. Allele origin: germline. Not counted in ClinVar's aggregate classification.
Comment: The CNGB1 c.256C>T variant is predicted to result in the amino acid substitution p.Arg86Trp. To our knowledge, this variant has not been reported in the literature. This variant is reported in 0.042% of alleles in individuals of South Asian descent in gnomAD. At this time, the clinical significance of this variant is uncertain due to the absence of conclusive functional and genetic evidence.